The following is an entry in ClinVar:

ClinVar aggregate classification (germline): Pathogenic (1 of 4 stars; one submission).

Conditions:
Charcot-Marie-Tooth disease type 4. Also called: Charcot-Marie-Tooth, Type 4; Charcot-Marie-Tooth disease, type IV. Identifiers: Orphanet 64749, MedGen C4082197, MONDO:0018995.

Submission:

Labcorp Genetics (formerly Invitae), Labcorp
Classification: Pathogenic for Charcot-Marie-Tooth disease type 4. Last evaluated: 2021-08-12. Review status: criteria provided, single submitter. Criteria: Invitae Variant Classification Sherloc (09022015). Collection method: clinical testing. Allele origin: germline.
Comment: This variant is a gross deletion of the genomic region encompassing exon(s) 2 of the SBF2 gene. This deletion is out-of-frame, and is expected to create a premature termination codon and result in an absent or disrupted protein product. Loss-of-function variants in SBF2 are known to be pathogenic (PMID: 12687498, 25873783). This variant has not been reported in the literature in individuals affected with SBF2-related conditions. For these reasons, this variant has been classified as Pathogenic.

Literature cited by the submitters: PubMed 12687498; PubMed 25873783.

NC_000011.9:g.(?_10215443)_(10215540_?)del

Gene: SBF2 (SET binding factor 2; minus strand). Cytogenetic location: 11p15.4.
Variant type: Deletion.
Identifiers: ClinVar variation 1072401 (VCV001072401.7).